The following is an entry in ClinVar:

ClinVar aggregate classification (germline): Uncertain significance (1 of 4 stars; one submission).

Conditions:
LEPR-related disorder. Also called: LEPR-related condition; LEPR-related disorders.

Submission:

PreventionGenetics, part of Exact Sciences
Classification: Uncertain significance for LEPR-related condition. Last evaluated: 2026-09-10. Review status: criteria provided, single submitter. Criteria: ACMG Guidelines, 2015. Collection method: clinical testing. Allele origin: germline.
Comment: The LEPR c.1033G>A variant is predicted to result in the amino acid substitution p.Gly345Arg. To our knowledge, this variant has not been reported in individuals with obesity in the literature. An in vitro functional study showed function similar to wild-type levels (Supplemental Data Set, Shah et al. 2023. PubMed ID: 36864747). This variant has not been reported in a large population database, indicating this variant is rare. At this time, the clinical significance of this variant is uncertain due to the absence of conclusive functional and genetic evidence.

NM_002303.6(LEPR):c.1033G>A (p.Gly345Arg)

Gene: LEPR (leptin receptor; plus strand). Cytogenetic location: 1p31.3.
Variant type: single nucleotide variant.
Coding change: c.1033G>A on transcript NM_002303.6 (MANE Select); coding-DNA position 1033, G replaced by A.
Protein change: p.Gly345Arg; replaces glycine 345 with arginine.
Molecular consequence: missense variant.
Genome position (GRCh38, 1-based): chr1:65,601,430, G>A. VCF-style: chr1-65601430-G-A. GRCh37 (hg19) VCF-style: chr1-66067113-G-A.
Other names: c.1033G>A, p.Gly345Arg (NM_001003679.3, NM_001003680.3, NM_001198687.2 and 2 more transcripts); short protein forms G345R.
Identifiers: ClinVar variation 3345760 (VCV003345760.2).